The following is an entry in ClinVar:

ClinVar aggregate classification (germline): Uncertain significance (1 of 4 stars; one submission).

Submission:

Labcorp Genetics (formerly Invitae), Labcorp
Classification: Uncertain significance. Last evaluated: 2025-11-03. Review status: criteria provided, single submitter. Criteria: Invitae Variant Classification Sherloc (09022015). Collection method: clinical testing. Allele origin: germline.
Comment: This sequence change replaces leucine, which is neutral and non-polar, with valine, which is neutral and non-polar, at codon 15 of the FZD2 protein (p.Leu15Val). This variant is not present in population databases (gnomAD no frequency). This variant has not been reported in the literature in individuals affected with FZD2-related conditions. ClinVar contains an entry for this variant (Variation ID: 1447555). Experimental studies and prediction algorithms are not available or were not evaluated, and the functional significance of this variant is currently unknown. In summary, the available evidence is currently insufficient to determine the role of this variant in disease. Therefore, it has been classified as a Variant of Uncertain Significance.

NM_001466.4(FZD2):c.43C>G (p.Leu15Val)

Gene: FZD2 (frizzled class receptor 2; plus strand). Cytogenetic location: 17q21.31.
Variant type: single nucleotide variant.
Coding change: c.43C>G on transcript NM_001466.4 (MANE Select); coding-DNA position 43, C replaced by G.
Protein change: p.Leu15Val; replaces leucine 15 with valine.
Molecular consequence: missense variant.
Genome position (GRCh38, 1-based): chr17:44,557,731, C>G. VCF-style: chr17-44557731-C-G. GRCh37 (hg19) VCF-style: chr17-42635099-C-G.
Other names: short protein forms L15V.
Identifiers: ClinVar variation 1447555 (VCV001447555.6), dbSNP rs765520885, ClinGen allele CA399789427.